The following is an entry in ClinVar:

ClinVar aggregate classification (germline): Pathogenic (1 of 4 stars; one submission).

Conditions:
Hereditary cancer-predisposing syndrome. Also called: Neoplastic Syndromes, Hereditary; Tumor predisposition; Hereditary Cancer Syndrome; Hereditary neoplastic syndrome. Identifiers: Orphanet 140162, MedGen C0027672, MeSH D009386, MONDO:0015356.

Submission:

Color Diagnostics, LLC DBA Color Health
Classification: Pathogenic for Hereditary cancer-predisposing syndrome. Last evaluated: 2019-08-19. Review status: criteria provided, single submitter. Criteria: ACMG Guidelines, 2015. Collection method: clinical testing. Allele origin: germline.
Comment: This variant changes 1 nucleotide in exon 10 of the BAP1 gene, creating a premature translation stop signal. This variant is expected to result in an absent or non-functional protein product. Splice site prediction tools suggest that this variant may not impact RNA splicing. To our knowledge, functional studies have not been performed for this variant. This variant has not been reported in individuals affected with hereditary cancer in the literature. This variant has not been identified in the general population by the Genome Aggregation Database (gnomAD). Loss of BAP1 function is a known mechanism of disease. Based on the available evidence, this variant is classified as Pathogenic.

NM_004656.4(BAP1):c.805G>T (p.Glu269Ter)

Gene: BAP1 (BRCA1 associated deubiquitinase 1; minus strand). Cytogenetic location: 3p21.1.
Variant type: single nucleotide variant.
Coding change: c.805G>T on transcript NM_004656.4 (MANE Select); coding-DNA position 805, G replaced by T.
Protein change: p.Glu269Ter; replaces glutamic acid 269 with a stop codon.
Molecular consequence: nonsense.
Genome position (GRCh38, 1-based): chr3:52,405,891, C>A on the plus strand (G>T on the coding strand, the complement: BAP1 is on the minus strand). VCF-style: chr3-52405891-C-A. GRCh37 (hg19) VCF-style: chr3-52439907-C-A.
Other names: short protein forms E269*.
Identifiers: ClinVar variation 926912 (VCV000926912.3), dbSNP rs1553645509, ClinGen allele CA353106914.